The following is an entry in ClinVar:

NM_002299.4(LCT):c.2293C>A (p.Leu765Ile)

Gene: LCT (lactase; minus strand). Cytogenetic location: 2q21.3.
Variant type: single nucleotide variant.
Coding change: c.2293C>A on transcript NM_002299.4 (MANE Select); coding-DNA position 2293, C replaced by A.
Protein change: p.Leu765Ile; replaces leucine 765 with isoleucine.
Molecular consequence: missense variant.
Genome position (GRCh38, 1-based): chr2:135,812,371, G>T on the plus strand (C>A on the coding strand, the complement: LCT is on the minus strand). VCF-style: chr2-135812371-G-T. GRCh37 (hg19) VCF-style: chr2-136569941-G-T.
Other names: short protein forms L765I.
Identifiers: ClinVar variation 894497 (VCV000894497.7), dbSNP rs374623829, ClinGen allele CA1888264.

ClinVar aggregate classification (germline): Uncertain significance. Review status: criteria provided, multiple submitters, no conflicts (2 of 4 stars). 2 submissions from 2 submitters: Uncertain significance (2). Last evaluated 2024-01-09.

Conditions:
Congenital lactase deficiency. Also called: ALACTASIA, CONGENITAL; DISACCHARIDE INTOLERANCE II. Identifiers: Orphanet 53690, MedGen C0268179, MONDO:0009115, OMIM 223000.

Allele frequency attached by ClinVar (database versions not stated): ExAC 0.00005; gnomAD exomes 0.00006 and 0.00007; TOPMed 0.00006; ESP Exome Variant Server 0.00008; gnomAD 0.00008 and 0.00009.
gnomAD v4.1: 114 of 1,613,890 alleles (0.0071%); highest among the groups gnomAD compares: Non-Finnish European, 0.0093%; no homozygotes.

Submissions (2):

Labcorp Genetics (formerly Invitae), Labcorp
Classification: Uncertain significance. Last evaluated: 2024-01-09. Review status: criteria provided, single submitter. Criteria: Invitae Variant Classification Sherloc (09022015). Collection method: clinical testing. Allele origin: germline.
Comment: This sequence change replaces leucine, which is neutral and non-polar, with isoleucine, which is neutral and non-polar, at codon 765 of the LCT protein (p.Leu765Ile). This variant is present in population databases (rs374623829, gnomAD 0.01%). This variant has not been reported in the literature in individuals affected with LCT-related conditions. ClinVar contains an entry for this variant (Variation ID: 894497). An algorithm developed to predict the effect of missense changes on protein structure and function (PolyPhen-2) suggests that this variant¬†is likely to be tolerated. In summary, the available evidence is currently insufficient to determine the role of this variant in disease. Therefore, it has been classified as a Variant of Uncertain Significance.

Illumina Laboratory Services, Illumina
Classification: Uncertain significance for Congenital lactase deficiency. Last evaluated: 2018-01-13. Review status: criteria provided, single submitter. Criteria: ICSL Variant Classification Criteria 13 December 2019. Collection method: clinical testing. Allele origin: germline.